The following is an entry in ClinVar:

NM_004260.4(RECQL4):c.85-3C>G

Genes: RECQL4 (RecQ like helicase 4; minus strand), LOC130001411 (ATAC-STARR-seq lymphoblastoid silent region 19699; plus strand). Cytogenetic location: 8q24.3.
Variant type: single nucleotide variant.
Coding change: c.85-3C>G on transcript NM_004260.4 (MANE Select); 3 bases into the intron before coding-DNA position 85, C replaced by G.
Molecular consequence: intron variant.
Genome position (GRCh38, 1-based): chr8:144,517,638, G>C on the plus strand (C>G on the coding strand, the complement: RECQL4 is on the minus strand). VCF-style: chr8-144517638-G-C. GRCh37 (hg19) VCF-style: chr8-145743022-G-C.
Identifiers: ClinVar variation 406951 (VCV000406951.9), dbSNP rs1053090518, ClinGen allele CA16612297.
Genomic context (GRCh38, chr8:144,517,638, plus strand): 5'-CCCGCCGCCCCGCCGCGCGCTCACCGCGGGTCTCCTCCGGCGCCGCCTCCACGTCGTCCT[G>C]TAAAGGGAACGCGTCAGCCGCGGGCCGCGCCCTCAGCCCCTCGGCCCCTGGGCAGCCCGC-3'

ClinVar aggregate classification (germline): Uncertain significance. Review status: criteria provided, multiple submitters, no conflicts (2 of 4 stars). 2 submissions from 2 submitters: Uncertain significance (2). Last evaluated 2024-07-18.

Conditions:
Baller-Gerold syndrome (BGS). Also called: CRANIOSYNOSTOSIS WITH RADIAL DEFECTS. Identifiers: Orphanet 1225, MedGen C0265308, MONDO:0009039, OMIM 218600.

Allele frequency attached by ClinVar (database versions not stated): gnomAD 0.00001; gnomAD exomes 0.00001; TOPMed 0.00001.
gnomAD v4.1: 4 of 1,483,832 alleles (0.00027%); highest among the groups gnomAD compares: Non-Finnish European, 0.00036%; no homozygotes.

Submissions (2):

Labcorp Genetics (formerly Invitae), Labcorp
Classification: Uncertain significance for Baller-Gerold syndrome. Last evaluated: 2024-07-18. Review status: criteria provided, single submitter. Criteria: Invitae Variant Classification Sherloc (09022015). Collection method: clinical testing. Allele origin: germline.
Comment: This sequence change falls in intron 1 of the RECQL4 gene. It does not directly change the encoded amino acid sequence of the RECQL4 protein. It affects a nucleotide within the consensus splice site. This variant is not present in population databases (gnomAD no frequency). This variant has not been reported in the literature in individuals affected with RECQL4-related conditions. ClinVar contains an entry for this variant (Variation ID: 406951). Variants that disrupt the consensus splice site are a relatively common cause of aberrant splicing (PMID: 17576681, 9536098). Algorithms developed to predict the effect of sequence changes on RNA splicing suggest that this variant may disrupt the consensus splice site. In summary, the available evidence is currently insufficient to determine the role of this variant in disease. Therefore, it has been classified as a Variant of Uncertain Significance.

Blueprint Genetics
Classification: Uncertain significance. Last evaluated: 2022-12-22. Review status: criteria provided, single submitter. Criteria: ACMG Guidelines, 2015. Collection method: clinical testing. Allele origin: germline.

Literature cited by the submitters: PubMed 17576681 (cited by Labcorp Genetics (formerly Invitae), Labcorp); PubMed 9536098 (cited by Labcorp Genetics (formerly Invitae), Labcorp).